The following is an entry in ClinVar:

NM_001385012.1(NBEA):c.3771A>G (p.Ala1257=)

Gene: NBEA (neurobeachin; plus strand). Cytogenetic location: 13q13.3.
Variant type: single nucleotide variant.
Coding change: c.3771A>G on transcript NM_001385012.1 (MANE Select); coding-DNA position 3771, A replaced by G.
Protein change: p.Ala1257=; no amino-acid change (alanine 1257 retained).
Molecular consequence: synonymous variant.
Genome position (GRCh38, 1-based): chr13:35,159,942, A>G. VCF-style: chr13-35159942-A-G. GRCh37 (hg19) VCF-style: chr13-35734079-A-G.
Other names: c.3771A>G, p.Ala1257= (NM_001379245.1, NM_015678.5).
Identifiers: ClinVar variation 3388516 (VCV003388516.14).
Genomic context (GRCh38, chr13:35,159,942, plus strand): 5'-GACTGCTACAACTCTGGAAACTGAGTCTTCTAGTAGCAAAATTGTACCAAATATTGATGC[A>G]GGAAGTATAATTTCAGATACTGAAAGGTCTGACGATGGCAAAGAATCAGGAAAAGAAATC-3'
Protein context (NP_001371941.1, residues 1247-1267): SSSKIVPNID[Ala1257=]GSIISDTERS

ClinVar aggregate classification (germline): Likely benign (1 of 4 stars; one submission).

gnomAD v4.1: 35 of 1,593,732 alleles (0.0022%); highest among the groups gnomAD compares: Middle Eastern, 0.033%; no homozygotes.

Submission:

CeGaT Center for Human Genetics Tuebingen
Classification: Likely benign. Last evaluated: 2024-09-01. Review status: criteria provided, single submitter. Criteria: CeGaT Center For Human Genetics Tuebingen Variant Classification Criteria Version 2. Collection method: clinical testing. Allele origin: germline. Affected: yes. Observed: 1 variant allele.
Comment: NBEA: BP4, BP7